The following is an entry in ClinVar:

ClinVar aggregate classification (germline): Uncertain significance (1 of 4 stars; one submission).

gnomAD v4.1: 1 of 1,612,046 alleles (0.000062%); highest among the groups gnomAD compares: Non-Finnish European, 0.000085%; no homozygotes.

Submission:

GeneDx
Classification: Uncertain significance. Last evaluated: 2024-01-30. Review status: criteria provided, single submitter. Criteria: GeneDx Variant Classification Process June 2021. Collection method: clinical testing. Allele origin: germline. Affected: yes.
Comment: Not observed at significant frequency in large population cohorts (gnomAD); In silico analysis supports that this missense variant does not alter protein structure/function; Has not been previously published as pathogenic or benign to our knowledge

NM_024757.5(EHMT1):c.551C>T (p.Ala184Val)

Gene: EHMT1 (euchromatic histone lysine methyltransferase 1; plus strand). Cytogenetic location: 9q34.3.
Variant type: single nucleotide variant.
Coding change: c.551C>T on transcript NM_024757.5 (MANE Select); coding-DNA position 551, C replaced by T.
Protein change: p.Ala184Val; replaces alanine 184 with valine.
Molecular consequence: missense variant.
Genome position (GRCh38, 1-based): chr9:137,717,091, C>T. VCF-style: chr9-137717091-C-T. GRCh37 (hg19) VCF-style: chr9-140611543-C-T.
Other names: c.551C>T, p.Ala184Val (NM_001145527.2, NM_001354263.2, NM_001354611.2); c.458C>T, p.Ala153Val (NM_001354259.2, NM_001354612.2); short protein forms A184V, A153V.
Identifiers: ClinVar variation 3368434 (VCV003368434.1), dbSNP rs886063735.